The following is an entry in ClinVar:

ClinVar aggregate classification (germline): Conflicting classifications of pathogenicity. Review status: criteria provided, conflicting classifications (1 of 4 stars). 14 submissions from 14 submitters: Uncertain significance (1); Benign (2); Likely benign (10). 1 of the submissions does not count toward it. Last evaluated 2026-02-04.

Conditions:
BRIP1-related disorder. Also called: BRIP1-related condition; BRIP1-related disorders. Identifiers: MedGen CN239206.
Hereditary cancer-predisposing syndrome. Also called: Tumor predisposition; Hereditary neoplastic syndrome; Neoplastic Syndromes, Hereditary; Hereditary Cancer Syndrome. Identifiers: Orphanet 140162, MedGen C0027672, MeSH D009386, MONDO:0015356.
Fanconi anemia complementation group J. Also called: BRIP1-Related Fanconi Anemia. Identifiers: Orphanet 84, MedGen C1836860, MONDO:0012187, OMIM 609054.
Familial cancer of breast. Also called: hereditary breast carcinoma; Hereditary breast cancer; BREAST CANCER, FAMILIAL. Identifiers: Orphanet 227535, MedGen C0346153, MONDO:0016419, OMIM 114480. Disease mechanism: loss of function.
Hereditary breast ovarian cancer syndrome. Also called: Hereditary breast and ovarian cancer; BRCA1- and BRCA2-Associated Hereditary Breast and Ovarian Cancer; Hereditary breast and/or ovarian cancer syndrome; Hereditary breast and ovarian cancer syndrome; Hereditary breast and ovarian cancer syndrome (HBOC); Breast and ovarian cancer. Identifiers: Orphanet 145, MedGen C0677776, MeSH D061325, MONDO:0003582. Disease mechanism: loss of function.

Allele frequency attached by ClinVar (database versions not stated): gnomAD 0.00003; ExAC 0.00004; gnomAD exomes 0.00004 and 0.00016; TOPMed 0.00005; ESP Exome Variant Server 0.00008; 1000 Genomes Project 30x 0.00016; 1000 Genomes Project 0.00020.
gnomAD v4.1: 242 of 1,614,190 alleles (0.015%); highest among the groups gnomAD compares: African/African-American, 0.02%; 1 homozygote.

Submissions (14):

Labcorp Genetics (formerly Invitae), Labcorp
Classification: Likely benign for Familial cancer of breast; Fanconi anemia complementation group J. Last evaluated: 2026-02-04. Review status: criteria provided, single submitter. Criteria: Invitae Variant Classification Sherloc (09022015). Collection method: clinical testing. Allele origin: germline.

Blueprint Genetics
Classification: Likely benign. Last evaluated: 2024-09-13. Review status: criteria provided, single submitter. Criteria: ACMG Guidelines, 2015. Collection method: clinical testing. Allele origin: germline.

Myriad Genetics, Inc.
Classification: Benign for Familial cancer of breast. Last evaluated: 2024-09-09. Review status: criteria provided, single submitter. Criteria: Myriad Autosomal Dominant, Autosomal Recessive and X-Linked Classification Criteria (2023). Collection method: clinical testing. Allele origin: unknown.
Comment: This variant is considered benign. This variant is a silent/synonymous amino acid change and it is not expected to impact splicing.

Department of Pathology and Laboratory Medicine, Sinai Health System
Classification: Likely benign for Hereditary breast ovarian cancer syndrome. Last evaluated: 2024-03-20. Review status: criteria provided, single submitter. Criteria: ACMG Guidelines, 2015. Collection method: clinical testing. Allele origin: germline. Affected: yes.

KCCC/NGS Laboratory, Kuwait Cancer Control Center
Classification: Likely benign for Familial cancer of breast. Last evaluated: 2023-07-07. Review status: criteria provided, single submitter. Criteria: ACMG Guidelines, 2015. Collection method: clinical testing. Allele origin: germline. Affected: yes.

Quest Diagnostics Nichols Institute San Juan Capistrano
Classification: Likely benign. Last evaluated: 2022-09-06. Review status: criteria provided, single submitter. Criteria: Quest Diagnostics criteria. Collection method: clinical testing. Allele origin: unknown.

Women's Health and Genetics/Laboratory Corporation of America, LabCorp
Classification: Likely benign. Last evaluated: 2021-10-10. Review status: criteria provided, single submitter. Criteria: LabCorp Variant Classification Summary - May 2015. Collection method: clinical testing. Allele origin: germline.

Sema4
Classification: Uncertain significance for Hereditary cancer-predisposing syndrome. Last evaluated: 2021-09-26. Review status: criteria provided, single submitter. Criteria: Sema4 Curation Guidelines. Collection method: curation. Allele origin: germline.
Comment: The BRIP1 c.3042T>C (p.G1014=) variant has not been reported in the literature to our knowledge. It was observed in 2/35434 chromosomes of the Latino subpopulation in the large and broad cohorts of the Genome Aggregation Database (PMID: 32461654). The variant has been reported in ClinVar (Variation ID: 136148). In silico tools suggest the variant may potentially have an impact on splicing, though these predictions have not been confirmed by functional studies. The evidence is insufficient to meet ACMG/AMP criteria for classifying the variant as benign or pathogenic. Thus, the clinical significance of this variant is currently uncertain.

Genetics and Molecular Pathology, SA Pathology
Classification: Likely benign for Familial cancer of breast. Last evaluated: 2021-08-27. Review status: criteria provided, single submitter. Criteria: ACMG Guidelines, 2015. Collection method: clinical testing. Allele origin: germline. Affected: yes.

Ambry Genetics
Classification: Likely benign for Hereditary cancer-predisposing syndrome. Last evaluated: 2019-11-20. Review status: criteria provided, single submitter. Criteria: Ambry Variant Classification Scheme 2023. Collection method: clinical testing. Allele origin: germline.

Color Diagnostics, LLC DBA Color Health
Classification: Likely benign for Hereditary cancer-predisposing syndrome. Last evaluated: 2016-11-28. Review status: criteria provided, single submitter. Criteria: ACMG Guidelines, 2015. Collection method: clinical testing. Allele origin: germline.

GeneDx
Classification: Benign. Last evaluated: 2015-03-03. Review status: criteria provided, single submitter. Criteria: GeneDx Variant Classification Process June 2021. Collection method: clinical testing. Allele origin: germline. Affected: yes.

Breakthrough Genomics
Classification: Likely benign. Review status: criteria provided, single submitter. Criteria: ACMG Guidelines, 2015. Collection method: not provided. Allele origin: germline. Inheritance: Autosomal dominant inheritance. Affected: yes.

PreventionGenetics, part of Exact Sciences
Classification: Likely benign for BRIP1-related condition. Last evaluated: 2019-11-18. Review status: no assertion criteria provided. Collection method: clinical testing. Allele origin: germline. Not counted in ClinVar's aggregate classification.
Comment: This variant is classified as likely benign based on ACMG/AMP sequence variant interpretation guidelines (Richards et al. 2015 PMID: 25741868, with internal and published modifications).

NM_032043.3(BRIP1):c.3042T>C (p.Gly1014=)

Gene: BRIP1 (BRCA1 interacting DNA helicase 1; minus strand). Cytogenetic location: 17q23.2.
Variant type: single nucleotide variant.
Coding change: c.3042T>C on transcript NM_032043.3 (MANE Select); coding-DNA position 3042, T replaced by C.
Protein change: p.Gly1014=; no amino-acid change (glycine 1014 retained).
Molecular consequence: synonymous variant.
Genome position (GRCh38, 1-based): chr17:61,684,004, A>G on the plus strand (T>C on the coding strand, the complement: BRIP1 is on the minus strand). VCF-style: chr17-61684004-A-G. GRCh37 (hg19) VCF-style: chr17-59761365-A-G.
Identifiers: ClinVar variation 136148 (VCV000136148.32), dbSNP rs188258913, ClinGen allele CA187582.